The following is an entry in ClinVar:

ClinVar aggregate classification (germline): Uncertain significance. Review status: criteria provided, multiple submitters, no conflicts (2 of 4 stars). 2 submissions from 2 submitters: Uncertain significance (2). Last evaluated 2024-03-01.

Conditions:
Joubert syndrome 28 (JBTS28). Identifiers: MedGen C4310705, MONDO:0014928, OMIM 617121.
Meckel syndrome, type 1 (MKS1). Also called: MECKEL-GRUBER SYNDROME, TYPE 1. Identifiers: Orphanet 564, MedGen C3714506, MONDO:0009571, OMIM 249000.
Bardet-Biedl syndrome 13 (BBS13). Identifiers: Orphanet 110, MedGen C2673873, MONDO:0014441, OMIM 615990.
Joubert syndrome. Also called: CEREBELLOPARENCHYMAL DISORDER IV; JOUBERT-BOLTSHAUSER SYNDROME; Familial aplasia of the vermis. Identifiers: Orphanet 475, MedGen C5979921, MONDO:0018772.
Meckel-Gruber syndrome. Also called: DYSENCEPHALIA SPLANCHNOCYSTICA; GRUBER SYNDROME; Dysencephalia splachnocystica. Identifiers: Orphanet 564, MedGen C0265215, MONDO:0018921.

Allele frequency attached by ClinVar (database versions not stated): gnomAD 0.00001; TOPMed 0.00002.

Submissions (2):

Fulgent Genetics
Classification: Uncertain significance for Meckel syndrome, type 1; Bardet-Biedl syndrome 13; Joubert syndrome 28. Last evaluated: 2024-03-01. Review status: criteria provided, single submitter. Criteria: ACMG Guidelines, 2015. Collection method: clinical testing. Allele origin: germline.

Labcorp Genetics (formerly Invitae), Labcorp
Classification: Uncertain significance for Joubert syndrome; Meckel-Gruber syndrome. Last evaluated: 2022-06-09. Review status: criteria provided, single submitter. Criteria: Invitae Variant Classification Sherloc (09022015). Collection method: clinical testing. Allele origin: germline.
Comment: This sequence change replaces arginine, which is basic and polar, with glutamine, which is neutral and polar, at codon 312 of the MKS1 protein (p.Arg312Gln). This variant is not present in population databases (gnomAD no frequency). This variant has not been reported in the literature in individuals affected with MKS1-related conditions. Advanced modeling of protein sequence and biophysical properties (such as structural, functional, and spatial information, amino acid conservation, physicochemical variation, residue mobility, and thermodynamic stability) performed at Invitae indicates that this missense variant is expected to disrupt MKS1 protein function. Algorithms developed to predict the effect of sequence changes on RNA splicing suggest that this variant may create or strengthen a splice site. In summary, the available evidence is currently insufficient to determine the role of this variant in disease. Therefore, it has been classified as a Variant of Uncertain Significance.

NM_017777.4(MKS1):c.935G>A (p.Arg312Gln)

Gene: MKS1 (MKS transition zone complex subunit 1; minus strand). Cytogenetic location: 17q22.
Variant type: single nucleotide variant.
Coding change: c.935G>A on transcript NM_017777.4 (MANE Select); coding-DNA position 935, G replaced by A.
Protein change: p.Arg312Gln; replaces arginine 312 with glutamine.
Molecular consequence: missense variant.
Genome position (GRCh38, 1-based): chr17:58,211,003, C>T on the plus strand (G>A on the coding strand, the complement: MKS1 is on the minus strand). VCF-style: chr17-58211003-C-T. GRCh37 (hg19) VCF-style: chr17-56288364-C-T.
Other names: c.326G>A, p.Arg109Gln (NM_001321268.2); c.935G>A, p.Arg312Gln (NM_001321269.2, NM_001330397.2, NM_001411113.1); short protein forms R109Q, R312Q.
Identifiers: ClinVar variation 1906615 (VCV001906615.3), dbSNP rs369483945, ClinGen allele CA400326142.